The following is an entry in ClinVar:

NM_001008216.2(GALE):c.140A>C (p.Glu47Ala)

Gene: GALE (UDP-galactose-4-epimerase; minus strand). Cytogenetic location: 1p36.11.
Variant type: single nucleotide variant.
Coding change: c.140A>C on transcript NM_001008216.2 (MANE Select); coding-DNA position 140, A replaced by C.
Protein change: p.Glu47Ala; replaces glutamic acid 47 with alanine.
Molecular consequence: missense variant.
Genome position (GRCh38, 1-based): chr1:23,798,712, T>G on the plus strand (A>C on the coding strand, the complement: GALE is on the minus strand). VCF-style: chr1-23798712-T-G. GRCh37 (hg19) VCF-style: chr1-24125202-T-G.
Other names: c.140A>C, p.Glu47Ala (NM_000403.4, NM_001127621.2); short protein forms E47A.
Identifiers: ClinVar variation 531729 (VCV000531729.5), dbSNP rs367768055, ClinGen allele CA685777.

ClinVar aggregate classification (germline): Uncertain significance. Review status: criteria provided, multiple submitters, no conflicts (2 of 4 stars). 2 submissions from 2 submitters: Uncertain significance (2). Last evaluated 2023-06-17.

Conditions:
GALE-related disorder. Also called: GALE-related condition.
UDPglucose-4-epimerase deficiency. Also called: GALACTOSEMIA III; GALE DEFICIENCY; UDP-GALACTOSE-4-EPIMERASE DEFICIENCY; Galactose epimerase deficiency; UDPglucose 4-Epimerase Deficiency Disease; Epimerase Deficiency Galactosemia. Identifiers: Orphanet 352, Orphanet 79238, MedGen C0751161, MONDO:0009257, OMIM 230350.

Allele frequency attached by ClinVar (database versions not stated): gnomAD exomes 0.00002 and 0.00003; ExAC 0.00005; gnomAD 0.00011 and 0.00013; TOPMed 0.00011; ESP Exome Variant Server 0.00015.
gnomAD v4.1: 43 of 1,613,828 alleles (0.0027%); highest among the groups gnomAD compares: African/African-American, 0.037%; no homozygotes.

Submissions (2):

PreventionGenetics, part of Exact Sciences
Classification: Uncertain significance for GALE-related condition. Last evaluated: 2023-06-17. Review status: criteria provided, single submitter. Criteria: ACMG Guidelines, 2015. Collection method: clinical testing. Allele origin: germline.
Comment: The GALE c.140A>C variant is predicted to result in the amino acid substitution p.Glu47Ala. To our knowledge, this variant has not been reported in the literature. This variant is reported in 0.040% of alleles in individuals of African descent in gnomAD. At this time, the clinical significance of this variant is uncertain due to the absence of conclusive functional and genetic evidence.

Labcorp Genetics (formerly Invitae), Labcorp
Classification: Uncertain significance for UDPglucose-4-epimerase deficiency. Last evaluated: 2021-10-21. Review status: criteria provided, single submitter. Criteria: Invitae Variant Classification Sherloc (09022015). Collection method: clinical testing. Allele origin: germline.
Comment: This sequence change replaces glutamic acid with alanine at codon 47 of the GALE protein (p.Glu47Ala). The glutamic acid residue is moderately conserved and there is a moderate physicochemical difference between glutamic acid and alanine. This variant is present in population databases (rs367768055, ExAC 0.05%). This variant has not been reported in the literature in individuals affected with GALE-related conditions. Algorithms developed to predict the effect of missense changes on protein structure and function are either unavailable or do not agree on the potential impact of this missense change (SIFT: "Tolerated"; PolyPhen-2: "Possibly Damaging"; Align-GVGD: "Class C0"). In summary, the available evidence is currently insufficient to determine the role of this variant in disease. Therefore, it has been classified as a Variant of Uncertain Significance.